The following is an entry in ClinVar:

ClinVar aggregate classification (germline): Likely pathogenic (1 of 4 stars; one submission).

Conditions:
Inborn genetic diseases. Identifiers: MedGen C0950123, MeSH D030342.

Submission:

Ambry Genetics
Classification: Likely pathogenic for Inborn genetic diseases. Last evaluated: 2025-07-10. Review status: criteria provided, single submitter. Criteria: Ambry Variant Classification Scheme 2023. Collection method: clinical testing. Allele origin: germline.
Comment: The c.3296-17_3297del19insGGACAGGCCC variant results from a results from a deletion of 19 nucleotides and insertion of 10 nucleotides at positions c.3296-17_3297 and involves the canonical splice acceptor site before coding exon 15 of the PKD1 gene. Alterations that disrupt the canonical splice site are expected to cause aberrant splicing, resulting in an abnormal protein or a transcript that is subject to nonsense-mediated mRNA decay. This variant was not reported in population-based cohorts in the Genome Aggregation Database (gnomAD). This splice acceptor site is highly conserved in available vertebrate species. In silico splice site analysis predicts that this alteration will weaken the native splice acceptor site and may result in the creation or strengthening of a novel splice acceptor site. Based on the available evidence, this alteration is classified as likely pathogenic.

NM_001009944.3(PKD1):c.3296-17_3297delinsGGACAGGCCC

Gene: PKD1 (polycystin 1, transient receptor potential channel interacting; minus strand). Cytogenetic location: 16p13.3.
Variant type: Indel.
Coding change: c.3296-17_3297delinsGGACAGGCCC on transcript NM_001009944.3 (MANE Select); 17 bases into the intron before coding-DNA position 3296 through coding-DNA position 3297, CGGGCCTGTCCCCACAGGT replaced by GGACAGGCCC.
Molecular consequence: splice acceptor variant.
Genome position (GRCh38, 1-based): chr16:2,111,870-2,111,888, ACCTGTGGGGACAGGCCCG replaced by GGGCCTGTCC on the plus strand (CGGGCCTGTCCCCACAGGT replaced by GGACAGGCCC on the coding strand, the reverse complement: PKD1 is on the minus strand). VCF-style: chr16-2111870-ACCTGTGGGGACAGGCCCG-GGGCCTGTCC. GRCh37 (hg19) VCF-style: chr16-2161871-ACCTGTGGGGACAGGCCCG-GGGCCTGTCC.
Other names: c.3296-17_3297delinsGGACAGGCCC (NM_000296.4).
Identifiers: ClinVar variation 4137457 (VCV004137457.1).
Genomic context (GRCh38, chr16:2,111,870, plus strand): 5'-AGGCACCTGCTGCGTCAGGTTCTCGAAGGCATTAGATGCCAGCACGGTCAGGAGGTACTC[ACCTGTGGGGACAGGCCCG>GGGCCTGTCC]AGTGGGGCAGCCGCGGCACCCCCACCTGCTCCCCACCCGCTCGGCAGAAGCCCCCCGCCT-3'